The following is an entry in ClinVar:

ClinVar aggregate classification (germline): Uncertain significance (1 of 4 stars; one submission).

Allele frequency attached by ClinVar (database versions not stated): TOPMed below 0.00001; gnomAD exomes 0.00001.

Submission:

GeneDx
Classification: Uncertain significance. Last evaluated: 2021-04-13. Review status: criteria provided, single submitter. Criteria: GeneDx Variant Classification Process June 2021. Collection method: clinical testing. Allele origin: germline. Affected: yes.
Comment: Not observed in large population cohorts (Lek et al., 2016); In silico analysis supports that this missense variant does not alter protein structure/function; Has not been previously published as pathogenic or benign to our knowledge

NM_181458.4(PAX3):c.163A>G (p.Ile55Val)

Gene: PAX3 (paired box 3; minus strand). Cytogenetic location: 2q36.1.
Variant type: single nucleotide variant.
Coding change: c.163A>G on transcript NM_181458.4 (MANE Select); coding-DNA position 163, A replaced by G.
Protein change: p.Ile55Val; replaces isoleucine 55 with valine.
Molecular consequence: missense variant.
Genome position (GRCh38, 1-based): chr2:222,297,136, T>C on the plus strand (A>G on the coding strand, the complement: PAX3 is on the minus strand). VCF-style: chr2-222297136-T-C. GRCh37 (hg19) VCF-style: chr2-223161855-T-C.
Other names: c.163A>G, p.Ile55Val (NM_000438.6, NM_001127366.3, NM_013942.5 and 4 more transcripts); short protein forms I55V.
Identifiers: ClinVar variation 1314818 (VCV001314818.2), dbSNP rs1574771815, ClinGen allele CA351113689.
Genomic context (GRCh38, chr2:222,297,136, plus strand): 5'-GGCGCGAGATGACGCAGGGCCGGATGCCGTGGTGGGCCATCTCCACGATCTTGTGGCGGA[T>C]GTGGTTGGGCAGCGGCCTGCCGTTGATAAAAACACCGCCGAGCTGGTTGACGCGGCCCTG-3'
Protein context (NP_852123.1, residues 45-65): FINGRPLPNH[Ile55Val]RHKIVEMAHH